The following is an entry in ClinVar:

ClinVar aggregate classification (germline): Uncertain significance (1 of 4 stars; one submission).

Submission:

GeneDx
Classification: Uncertain significance. Last evaluated: 2024-03-03. Review status: criteria provided, single submitter. Criteria: GeneDx Variant Classification Process June 2021. Collection method: clinical testing. Allele origin: germline. Affected: yes.
Comment: Frameshift variant predicted to result in abnormal protein length as the last 39 amino acids are replaced with 10 different amino acids; Not observed at significant frequency in large population cohorts (gnomAD); Has not been previously published as pathogenic or benign to our knowledge

NM_005068.3(SIM1):c.2178_2187del (p.Arg728fs)

Gene: SIM1 (SIM bHLH transcription factor 1; minus strand). Cytogenetic location: 6q16.3.
Variant type: Deletion.
Coding change: c.2178_2187del on transcript NM_005068.3 (MANE Select); coding-DNA positions 2178 to 2187, 10 bases deleted (CATTAGAAAC; older notation c.2178_2187delCATTAGAAAC).
Protein change: p.Arg728fs; shifts the reading frame from arginine 728.
Molecular consequence: frameshift variant.
Genome position (GRCh38, 1-based): chr6:100,390,475-100,390,484, GTTTCTAATG deleted on the plus strand (CATTAGAAAC on the coding strand, the reverse complement: SIM1 is on the minus strand); deleting any 10 consecutive bases within chr6:100,390,475-100,390,489 gives the same sequence; the c. name uses the placement nearest the transcript's 3' end. VCF-style (leftmost placement, unchanged base first): chr6-100390474-AGTTTCTAATG-A. GRCh37 (hg19) VCF-style: chr6-100838350-AGTTTCTAATG-A.
Other names: c.2178_2187del, p.Arg728fs (NM_001374769.1); short protein forms R728fs.
Identifiers: ClinVar variation 3373643 (VCV003373643.1).